The following is an entry in ClinVar:

NM_032578.4(MYPN):c.2093A>G (p.Asn698Ser)

Gene: MYPN (myopalladin; plus strand). Cytogenetic location: 10q21.3.
Variant type: single nucleotide variant.
Coding change: c.2093A>G on transcript NM_032578.4 (MANE Select); coding-DNA position 2093, A replaced by G.
Protein change: p.Asn698Ser; replaces asparagine 698 with serine.
Molecular consequence: missense variant. On other transcripts: non-coding transcript variant (2).
Genome position (GRCh38, 1-based): chr10:68,174,185, A>G. VCF-style: chr10-68174185-A-G. GRCh37 (hg19) VCF-style: chr10-69933942-A-G.
Other names: c.2093A>G, p.Asn698Ser (NM_001256267.2); c.1211A>G, p.Asn404Ser (NM_001256268.2); short protein forms N404S, N698S.
Identifiers: ClinVar variation 699591 (VCV000699591.14), dbSNP rs181355189, ClinGen allele CA5522725.
Genomic context (GRCh38, chr10:68,174,185, plus strand): 5'-AAAACCCACCTCCTTCATCTCCTAAGGAGTTTCCTTTCAGCATGACTGTTTTGAACTCCA[A>G]TGCTCCCCCAGCGGTGACAACATCCAGTAAGCAGGTGAAGGCTCCTTCATCACAGACGTT-3'
Protein context (NP_115967.2, residues 688-708): FPFSMTVLNS[Asn698Ser]APPAVTTSSK

ClinVar aggregate classification (germline): Likely benign. Review status: criteria provided, multiple submitters, no conflicts (2 of 4 stars). 4 submissions from 4 submitters: Likely benign (4). Last evaluated 2026-01-26.

Conditions:
MYPN-related disorder. Also called: MYPN-related condition.
Cardiovascular phenotype. Identifiers: MedGen CN230736.
Dilated cardiomyopathy 1KK (CMD1KK). Identifiers: Orphanet 154, Orphanet 75249, MedGen C3714995, MONDO:0014100, OMIM 615248.

Allele frequency attached by ClinVar (database versions not stated): gnomAD 0.00005 and 0.00009; gnomAD exomes 0.00008 and 0.00019; TOPMed 0.00010; ExAC 0.00021; 1000 Genomes Project 30x 0.00031; 1000 Genomes Project 0.00040.
gnomAD v4.1: 136 of 1,613,976 alleles (0.0084%); highest among the groups gnomAD compares: East Asian, 0.16%; 3 homozygotes.

Submissions (4):

PreventionGenetics, part of Exact Sciences
Classification: Likely benign for MYPN-related condition. Last evaluated: 2026-01-26. Review status: criteria provided, single submitter. Criteria: ACMG Guidelines, 2015. Collection method: clinical testing. Allele origin: germline.
Comment: This variant is classified as likely benign based on ACMG/AMP sequence variant interpretation guidelines (Richards et al. 2015 PMID: 25741868, with internal and published modifications).

Labcorp Genetics (formerly Invitae), Labcorp
Classification: Likely benign for Dilated cardiomyopathy 1KK. Last evaluated: 2025-12-14. Review status: criteria provided, single submitter. Criteria: Invitae Variant Classification Sherloc (09022015). Collection method: clinical testing. Allele origin: germline.

Blueprint Genetics
Classification: Likely benign. Last evaluated: 2024-09-10. Review status: criteria provided, single submitter. Criteria: ACMG Guidelines, 2015. Collection method: clinical testing. Allele origin: germline.

Ambry Genetics
Classification: Likely benign for Cardiovascular phenotype. Last evaluated: 2019-01-02. Review status: criteria provided, single submitter. Criteria: Ambry Variant Classification Scheme 2023. Collection method: clinical testing. Allele origin: germline.